The following is an entry in ClinVar:

NM_001458.5(FLNC):c.3881A>T (p.Asn1294Ile)

Gene: FLNC (filamin C; plus strand). Cytogenetic location: 7q32.1.
Variant type: single nucleotide variant.
Coding change: c.3881A>T on transcript NM_001458.5 (MANE Select); coding-DNA position 3881, A replaced by T.
Protein change: p.Asn1294Ile; replaces asparagine 1294 with isoleucine.
Molecular consequence: missense variant.
Genome position (GRCh38, 1-based): chr7:128,846,080, A>T. VCF-style: chr7-128846080-A-T. GRCh37 (hg19) VCF-style: chr7-128486134-A-T.
Other names: c.3881A>T, p.Asn1294Ile (NM_001127487.2); short protein forms N1294I.
Identifiers: ClinVar variation 944815 (VCV000944815.13), dbSNP rs944103680, ClinGen allele CA369198653.

ClinVar aggregate classification (germline): Uncertain significance. Review status: criteria provided, multiple submitters, no conflicts (2 of 4 stars). 3 submissions from 3 submitters: Uncertain significance (3). Last evaluated 2026-05-20.

Conditions:
Cardiovascular phenotype. Identifiers: MedGen CN230736.
Distal myopathy with posterior leg and anterior hand involvement. Also called: WILLIAMS DISTAL MYOPATHY. Identifiers: Orphanet 63273, MedGen C3279722, MONDO:0013550, OMIM 614065.
Hypertrophic cardiomyopathy 26. Also called: Cardiomyopathy, familial hypertrophic, 26. Identifiers: Orphanet 75249, MedGen C4310749, MONDO:0014883, OMIM 617047.
Myofibrillar myopathy 5. Also called: Filaminopathy (type); FILAMINOPATHY, AUTOSOMAL DOMINANT. Identifiers: Orphanet 171445, MedGen C1836050, MONDO:0012289, OMIM 609524.

gnomAD v4.1: 4 of 1,613,674 alleles (0.00025%); highest among the groups gnomAD compares: African/African-American, 0.0053%; no homozygotes.

Submissions (3):

Ambry Genetics
Classification: Uncertain significance for Cardiovascular phenotype. Last evaluated: 2026-05-20. Review status: criteria provided, single submitter. Criteria: Ambry Variant Classification Scheme 2023. Collection method: clinical testing. Allele origin: germline.

Women's Health and Genetics/Laboratory Corporation of America, LabCorp
Classification: Uncertain significance. Last evaluated: 2024-11-08. Review status: criteria provided, single submitter. Criteria: LabCorp Variant Classification Summary - May 2015. Collection method: clinical testing. Allele origin: germline.
Comment: Variant summary: FLNC c.3881A>T (p.Asn1294Ile) results in a non-conservative amino acid change located in the Filamin/ABP280 repeat profile domain (IPR017868) of the encoded protein sequence. Five of five in-silico tools predict a damaging effect of the variant on protein function. The variant was absent in 248978 control chromosomes. The available data on variant occurrences in the general population are insufficient to allow any conclusion about variant significance. To our knowledge, no occurrence of c.3881A>T in individuals affected with Cardiomyopathy and no experimental evidence demonstrating its impact on protein function have been reported. ClinVar contains an entry for this variant (Variation ID: 944815). Based on the evidence outlined above, the variant was classified as uncertain significance.

Labcorp Genetics (formerly Invitae), Labcorp
Classification: Uncertain significance for Distal myopathy with posterior leg and anterior hand involvement; Myofibrillar myopathy 5; Hypertrophic cardiomyopathy 26. Last evaluated: 2024-06-28. Review status: criteria provided, single submitter. Criteria: Invitae Variant Classification Sherloc (09022015). Collection method: clinical testing. Allele origin: germline.
Comment: This sequence change replaces asparagine, which is neutral and polar, with isoleucine, which is neutral and non-polar, at codon 1294 of the FLNC protein (p.Asn1294Ile). This variant is not present in population databases (gnomAD no frequency). This variant has not been reported in the literature in individuals affected with FLNC-related conditions. ClinVar contains an entry for this variant (Variation ID: 944815). Advanced modeling of protein sequence and biophysical properties (such as structural, functional, and spatial information, amino acid conservation, physicochemical variation, residue mobility, and thermodynamic stability) has been performed at Invitae for this missense variant, however the output from this modeling did not meet the statistical confidence thresholds required to predict the impact of this variant on FLNC protein function. In summary, the available evidence is currently insufficient to determine the role of this variant in disease. Therefore, it has been classified as a Variant of Uncertain Significance.